The following is an entry in ClinVar:

ClinVar aggregate classification (germline): Likely benign (1 of 4 stars; one submission).

Allele frequency attached by ClinVar (database versions not stated): 1000 Genomes Project 0.00080; 1000 Genomes Project 30x 0.00094; ExAC 0.00644.
gnomAD v4.1: 3,237 of 774,286 alleles (0.42%); highest among the groups gnomAD compares: Non-Finnish European, 0.59%; 18 homozygotes.

Submission:

CeGaT Center for Human Genetics Tuebingen
Classification: Likely benign. Last evaluated: 2023-03-01. Review status: criteria provided, single submitter. Criteria: CeGaT Center For Human Genetics Tuebingen Variant Classification Criteria Version 2. Collection method: clinical testing. Allele origin: germline. Affected: yes. Observed: 1 variant allele.
Comment: ZSCAN5C: BP4, BS2

NM_001358413.3(ZSCAN5C):c.454G>A (p.Ala152Thr)

Gene: ZSCAN5C (zinc finger and SCAN domain containing 5C; plus strand). Cytogenetic location: 19q13.43.
Variant type: single nucleotide variant.
Coding change: c.454G>A on transcript NM_001358413.3 (MANE Select); coding-DNA position 454, G replaced by A.
Protein change: p.Ala152Thr; replaces alanine 152 with threonine.
Molecular consequence: missense variant.
Genome position (GRCh38, 1-based): chr19:56,207,128, G>A. VCF-style: chr19-56207128-G-A. GRCh37 (hg19) VCF-style: chr19-56718497-G-A.
Other names: short protein forms A152T.
Identifiers: ClinVar variation 2650556 (VCV002650556.24), dbSNP rs200501867, ClinGen allele CA9687769.
Genomic context (GRCh38, chr19:56,207,128, plus strand): 5'-AGTTTTCTTGGCAAGGAATATCTTATGCAGGAATCAGATGTGGAGATGGCTGAAGCCCCC[G>A]CCAGTGTCAGAGATGATCCGAGACACGTGTCCAGCCAGCGGACCTCCTCTGTGAACCAGA-3'
Protein context (NP_001345342.1, residues 142-162): ESDVEMAEAP[Ala152Thr]SVRDDPRHVS